The following is an entry in ClinVar:

ClinVar aggregate classification (germline): Uncertain significance (1 of 4 stars; one submission).

Conditions:
Early-infantile DEE. Also called: Early infantile epileptic encephalopathy; Early infantile epileptic encephalopathy with suppression bursts; Ohtahara syndrome. Identifiers: Orphanet 1934, MedGen C0393706, MONDO:0800491.

Allele frequency attached by ClinVar (database versions not stated): TOPMed below 0.00001; gnomAD exomes below 0.00001.
gnomAD v4.1: 1 of 1,613,480 alleles (0.000062%); highest among the groups gnomAD compares: Non-Finnish European, 0.000085%; no homozygotes.

Submission:

Labcorp Genetics (formerly Invitae), Labcorp
Classification: Uncertain significance for Early-infantile DEE. Last evaluated: 2016-08-28. Review status: criteria provided, single submitter. Criteria: Invitae Variant Classification Sherloc (09022015). Collection method: clinical testing. Allele origin: germline.
Comment: This variant is not present in population databases (ExAC no frequency) and has not been reported in the literature in individuals with a ARHGEF15-related disease. In summary, this variant is a novel missense change that is not predicted to affect protein function. There is no indication that it causes disease, but the available evidence is currently insufficient to prove that conclusively. Therefore, it has been classified as a Variant of Uncertain Significance. Algorithms developed to predict the effect of missense changes on protein structure and function output the following: (SIFT: "Tolerated"; PolyPhen-2: "Benign"; Align-GVGD: "Class C0"). The alanine amino acid residue is also found in multiple mammalian species, suggesting that this missense change does not adversely affect protein function. These predictions have not been confirmed by published functional studies. This sequence change replaces valine with alanine at codon 327 of the ARHGEF15 protein (p.Val327Ala). The valine residue is weakly conserved and there is a small physicochemical difference between valine and alanine.

NM_173728.4(ARHGEF15):c.980T>C (p.Val327Ala)

Gene: ARHGEF15 (Rho guanine nucleotide exchange factor 15; plus strand). Cytogenetic location: 17p13.1.
Variant type: single nucleotide variant.
Coding change: c.980T>C on transcript NM_173728.4 (MANE Select); coding-DNA position 980, T replaced by C.
Protein change: p.Val327Ala; replaces valine 327 with alanine.
Molecular consequence: missense variant.
Genome position (GRCh38, 1-based): chr17:8,313,546, T>C. VCF-style: chr17-8313546-T-C. GRCh37 (hg19) VCF-style: chr17-8216864-T-C.
Other names: c.980T>C, p.Val327Ala (NM_025014.2); short protein forms V327A.
Identifiers: ClinVar variation 403970 (VCV000403970.10), dbSNP rs1060500049, ClinGen allele CA16615750.